The following is an entry in ClinVar:

NM_001012710.2(KRTAP5-10):c.378C>T (p.Ser126=)

Gene: KRTAP5-10 (keratin associated protein 5-10; plus strand). Cytogenetic location: 11q13.4.
Variant type: single nucleotide variant.
Coding change: c.378C>T on transcript NM_001012710.2 (MANE Select); coding-DNA position 378, C replaced by T.
Protein change: p.Ser126=; no amino-acid change (serine 126 retained).
Molecular consequence: synonymous variant.
Genome position (GRCh38, 1-based): chr11:71,565,965, C>T. VCF-style: chr11-71565965-C-T. GRCh37 (hg19) VCF-style: chr11-71277011-C-T.
Identifiers: ClinVar variation 5038513 (VCV005038513.1).
Genomic context (GRCh38, chr11:71,565,965, plus strand): 5'-TTGTGGGGGCTCCAAGGGGGGCTGTGGCTCCTGTGGGGGCTCCAAAGGTGGCTGTGGTTC[C>T]TGTGGGGGCTCCAAGGGGGGCTGTGGTTCTTGTGGCTGCTCCCAGTGCAATTGCTGTAAG-3'
Protein context (NP_001012728.1, residues 116-136): SCGGSKGGCG[Ser126=]CGGSKGGCGS

ClinVar aggregate classification (germline): Likely benign (1 of 4 stars; one submission).

Submission:

CeGaT Center for Human Genetics Tuebingen
Classification: Likely benign. Last evaluated: 2026-08-01. Review status: criteria provided, single submitter. Criteria: CeGaT Center For Human Genetics Tuebingen Variant Classification Criteria Version 2. Collection method: clinical testing. Allele origin: germline. Affected: yes. Observed: 1 variant allele.
Comment: KRTAP5-10: BP4, BP7